The following is an entry in ClinVar:

ClinVar aggregate classification (germline): Uncertain significance (1 of 4 stars; one submission).

Allele frequency attached by ClinVar (database versions not stated): gnomAD exomes below 0.00001.

Submission:

Labcorp Genetics (formerly Invitae), Labcorp
Classification: Uncertain significance. Last evaluated: 2022-06-19. Review status: criteria provided, single submitter. Criteria: Invitae Variant Classification Sherloc (09022015). Collection method: clinical testing. Allele origin: germline.
Comment: This sequence change replaces methionine, which is neutral and non-polar, with isoleucine, which is neutral and non-polar, at codon 1016 of the PCDH15 protein (p.Met1016Ile). This variant is not present in population databases (gnomAD no frequency). This variant has not been reported in the literature in individuals affected with PCDH15-related conditions. Algorithms developed to predict the effect of missense changes on protein structure and function (SIFT, PolyPhen-2, Align-GVGD) all suggest that this variant is likely to be tolerated. In summary, the available evidence is currently insufficient to determine the role of this variant in disease. Therefore, it has been classified as a Variant of Uncertain Significance.

NM_001384140.1(PCDH15):c.3048G>A (p.Met1016Ile)

Gene: PCDH15 (protocadherin related 15; minus strand). Cytogenetic location: 10q21.1.
Variant type: single nucleotide variant.
Coding change: c.3048G>A on transcript NM_001384140.1 (MANE Select); coding-DNA position 3048, G replaced by A.
Protein change: p.Met1016Ile; replaces methionine 1016 with isoleucine.
Molecular consequence: missense variant.
Genome position (GRCh38, 1-based): chr10:53,959,806, C>T on the plus strand (G>A on the coding strand, the complement: PCDH15 is on the minus strand). VCF-style: chr10-53959806-C-T. GRCh37 (hg19) VCF-style: chr10-55719566-C-T.
Other names: c.3063G>A, p.Met1021Ile (NM_001142763.2, NM_001142771.2); c.3048G>A, p.Met1016Ile (NM_001142764.2, NM_001142766.2, NM_001142770.3 and 4 more transcripts); c.2835G>A, p.Met945Ile (NM_001142765.2); c.2937G>A, p.Met979Ile (NM_001142767.2); c.2982G>A, p.Met994Ile (NM_001142768.2, NM_001142773.2, NM_001354404.2); c.3084G>A, p.Met1028Ile (NM_001142769.4); c.3069G>A, p.Met1023Ile (NM_001354411.2); short protein forms M1016I, M1023I, M1021I, M1028I, M979I, M945I, M994I.
Identifiers: ClinVar variation 1444265 (VCV001444265.5), dbSNP rs2088086111, ClinGen allele CA376521058.